The following is an entry in ClinVar:

NM_000443.4(ABCB4):c.833G>A (p.Arg278Lys)

Gene: ABCB4 (ATP binding cassette subfamily B member 4; minus strand). Cytogenetic location: 7q21.12.
Variant type: single nucleotide variant.
Coding change: c.833G>A on transcript NM_000443.4 (MANE Select); coding-DNA position 833, G replaced by A.
Protein change: p.Arg278Lys; replaces arginine 278 with lysine.
Molecular consequence: missense variant.
Genome position (GRCh38, 1-based): chr7:87,449,968, C>T on the plus strand (G>A on the coding strand, the complement: ABCB4 is on the minus strand). VCF-style: chr7-87449968-C-T. GRCh37 (hg19) VCF-style: chr7-87079284-C-T.
Other names: c.833G>A (NM_000443.3); c.833G>A, p.Arg278Lys (NM_018849.3, NM_018850.3); short protein forms R278K.
Identifiers: ClinVar variation 499078 (VCV000499078.8), dbSNP rs1554409350, ClinGen allele CA368050361.
Genomic context (GRCh38, chr7:87,449,968, plus strand): 5'-AAGAAGCAACAAAATGTAAAAACACATTCCTTAAACCAGTGGCTAAAGAACCTTCCTGAC[C>T]TTTCCAGCTCTTTGTTCTGGCCCCCGAAAGCTATCACAGTCCTGATGGCCCCCAGAGCCT-3'
Protein context (NP_000434.1, residues 268-288): AFGGQNKELE[Arg278Lys]YQKHLENAKE

ClinVar aggregate classification (germline): Conflicting classifications of pathogenicity. Review status: criteria provided, conflicting classifications (1 of 4 stars). 4 submissions from 4 submitters: Likely pathogenic (1); Uncertain significance (3). Last evaluated 2026-04-14.

Conditions:
Low phospholipid associated cholelithiasis (GBD1). Also called: Gallstone cholecystitis; Gallbladder disease 1. Identifiers: Orphanet 69663, MedGen C2609268, MONDO:0010939, OMIM 600803.

Submissions (4):

Genomenon, Inc
Classification: Uncertain significance for Low phospholipid associated cholelithiasis. Last evaluated: 2026-04-14. Review status: criteria provided, single submitter. Criteria: Genomenon Sequence Variant Interpretation Standards - Updated. Collection method: curation. Allele origin: germline. Affected: yes.
Comment: ABCB4 p.Arg278Lys (c.833G>A) is a missense variant that changes the amino acid at residue 278 from Arginine to Lysine. This variant has been observed in at least one proband with an ABCB4-related disorder (PMID:23533021). It is absent or not present at a significant frequency in gnomAD. In silico models predict that this variant is possibly or probably damaging. In conclusion, we classify ABCB4 p.Arg278Lys (c.833G>A) as a variant of uncertain significance.

Labcorp Genetics (formerly Invitae), Labcorp
Classification: Uncertain significance. Last evaluated: 2025-08-25. Review status: criteria provided, single submitter. Criteria: Invitae Variant Classification Sherloc (09022015). Collection method: clinical testing. Allele origin: germline.
Comment: This sequence change replaces arginine, which is basic and polar, with lysine, which is basic and polar, at codon 278 of the ABCB4 protein (p.Arg278Lys). This variant also falls at the last nucleotide of exon 8, which is part of the consensus splice site for this exon. This variant is not present in population databases (gnomAD no frequency). This missense change has been observed in individual(s) with clinical features of ABCB4-related coditions (PMID: 23533021). ClinVar contains an entry for this variant (Variation ID: 499078). An algorithm developed to predict the effect of missense changes on protein structure and function (PolyPhen-2) suggests that this variant is likely to be tolerated. Variants that disrupt the consensus splice site are a relatively common cause of aberrant splicing (PMID: 17576681, 9536098). Algorithms developed to predict the effect of sequence changes on RNA splicing suggest that this variant may disrupt the consensus splice site. In summary, the available evidence is currently insufficient to determine the role of this variant in disease. Therefore, it has been classified as a Variant of Uncertain Significance.

GeneDx
Classification: Likely pathogenic. Last evaluated: 2025-07-19. Review status: criteria provided, single submitter. Criteria: GeneDx Variant Classification Process June 2021. Collection method: clinical testing. Allele origin: germline. Affected: yes.
Comment: Alters the last nucleotide of the exon and is predicted to destroy the splice donor site and result in aberrant splicing, although in the absence of functional evidence the actual effect of this sequence change is unknown; Not observed at significant frequency in large population cohorts (gnomAD); In silico analysis suggests that this missense variant does not alter protein structure/function; This variant is associated with the following publications: (PMID: 23533021)

Eurofins Ntd Llc (ga)
Classification: Uncertain significance. Last evaluated: 2016-12-05. Review status: criteria provided, single submitter. Criteria: EGL Classification Definitions 2015. Collection method: clinical testing. Allele origin: germline. Observed: 1 variant allele, 1 heterozygote.

Literature cited by the submitters: PubMed 23533021 (cited by Genomenon, Inc and Labcorp Genetics (formerly Invitae), Labcorp); PubMed 17576681 (cited by Labcorp Genetics (formerly Invitae), Labcorp); PubMed 9536098 (cited by Labcorp Genetics (formerly Invitae), Labcorp).